The following is an entry in ClinVar:

ClinVar aggregate classification (germline): Uncertain significance (1 of 4 stars; one submission).

Conditions:
Epidermolysis bullosa simplex 5B, with muscular dystrophy (EBS5B). Also called: Epidermolysis bullosa simplex with muscular dystrophy; EPIDERMOLYSIS BULLOSA SIMPLEX AND LIMB-GIRDLE MUSCULAR DYSTROPHY. Identifiers: Orphanet 257, MedGen C2931072, MONDO:0009181, OMIM 226670.
Autosomal recessive limb-girdle muscular dystrophy type 2Q (LGMDR17). Also called: MUSCULAR DYSTROPHY, LIMB-GIRDLE, AUTOSOMAL RECESSIVE 17. Identifiers: Orphanet 254361, MedGen C3150989, MONDO:0013390, OMIM 613723.
Epidermolysis bullosa simplex with nail dystrophy (EBS5D). Identifiers: MedGen C4225309, MONDO:0014661, OMIM 616487.
Epidermolysis bullosa simplex 5C, with pyloric atresia (EBS5C). Also called: Epidermolysis bullosa simplex with pyloric atresia; PLEC-Related Epidermolysis Bullosa with Pyloric Atresia; PLEC1-Related Epidermolysis Bullosa with Pyloric Atresia. Identifiers: Orphanet 158684, MedGen C2677349, MONDO:0012807, OMIM 612138.
Epidermolysis bullosa simplex, Ogna type (EBS5A). Also called: EPIDERMOLYSIS BULLOSA SIMPLEX 5A, OGNA TYPE; Pidermolysis bullosa simplex 5A, Ogna type. Identifiers: Orphanet 79401, MedGen C0432317, MONDO:0007555, OMIM 131950.

Allele frequency attached by ClinVar (database versions not stated): gnomAD 0.00003; TOPMed 0.00003.
gnomAD v4.1: 21 of 1,613,024 alleles (0.0013%); highest among the groups gnomAD compares: Admixed American, 0.017%; no homozygotes.

Submission:

Labcorp Genetics (formerly Invitae), Labcorp
Classification: Uncertain significance for Autosomal recessive limb-girdle muscular dystrophy type 2Q; Epidermolysis bullosa simplex, Ogna type; Epidermolysis bullosa simplex with nail dystrophy; Epidermolysis bullosa simplex 5C, with pyloric atresia; Epidermolysis bullosa simplex 5B, with muscular dystrophy. Last evaluated: 2025-09-08. Review status: criteria provided, single submitter. Criteria: Invitae Variant Classification Sherloc (09022015). Collection method: clinical testing. Allele origin: germline.
Comment: This sequence change replaces valine, which is neutral and non-polar, with methionine, which is neutral and non-polar, at codon 483 of the PLEC protein (p.Val483Met). This variant is present in population databases (rs782655007, gnomAD 0.02%). This missense change has been observed in individual(s) with hyperCKemia (PMID: 31517061). ClinVar contains an entry for this variant (Variation ID: 1499814). Experimental studies and prediction algorithms are not available or were not evaluated, and the functional significance of this variant is currently unknown. In summary, the available evidence is currently insufficient to determine the role of this variant in disease. Therefore, it has been classified as a Variant of Uncertain Significance.

Literature cited by the submitters: PubMed 31517061.

NM_201384.3(PLEC):c.1366G>A (p.Val456Met)

Gene: PLEC (plectin; minus strand). Cytogenetic location: 8q24.3.
Variant type: single nucleotide variant.
Coding change: c.1366G>A on transcript NM_201384.3 (MANE Select); coding-DNA position 1366, G replaced by A.
Protein change: p.Val456Met; replaces valine 456 with methionine.
Molecular consequence: missense variant.
Genome position (GRCh38, 1-based): chr8:143,933,249, C>T on the plus strand (G>A on the coding strand, the complement: PLEC is on the minus strand). VCF-style: chr8-143933249-C-T. GRCh37 (hg19) VCF-style: chr8-145007417-C-T.
Other names: c.1447G>A, p.Val483Met (NM_000445.5); c.1324G>A, p.Val442Met (NM_201378.4); c.1300G>A, p.Val434Met (NM_201379.3); c.1777G>A, p.Val593Met (NM_201380.4); c.1270G>A, p.Val424Met (NM_201381.3); c.1366G>A, p.Val456Met (NM_201382.4); c.1378G>A, p.Val460Met (NM_201383.3); short protein forms V424M, V456M, V442M, V483M, V434M, V460M, V593M.
Identifiers: ClinVar variation 1499814 (VCV001499814.6), dbSNP rs782655007, ClinGen allele CA4928002.
Genomic context (GRCh38, chr8:143,933,249, plus strand): 5'-GGGCCCACCTGCGGTACATCTGCTCGCCCTGCGGGTGCCGTCCATCCTTGAGGGTCTGCA[C>T]GTCGTTGAAGAGCAGCCGGATCATGCTATCCGCCTTGTCCAAGTCCCGTTCCACCTCCCC-3'
Protein context (NP_958786.1, residues 446-466): DSMIRLLFND[Val456Met]QTLKDGRHPQ